The following is an entry in ClinVar:

ClinVar aggregate classification (germline): Uncertain significance (1 of 4 stars; one submission).

Conditions:
Epileptic encephalopathy. Identifiers: MedGen C0543888, HP:0200134.

Allele frequency attached by ClinVar (database versions not stated): TOPMed below 0.00001; gnomAD 0.00001.
gnomAD v4.1: 21 of 1,562,922 alleles (0.0013%); highest among the groups gnomAD compares: African/African-American, 0.0054%; no homozygotes.

Submission:

Labcorp Genetics (formerly Invitae), Labcorp
Classification: Uncertain significance for Epileptic encephalopathy. Last evaluated: 2022-08-09. Review status: criteria provided, single submitter. Criteria: Invitae Variant Classification Sherloc (09022015). Collection method: clinical testing. Allele origin: germline.
Comment: In summary, the available evidence is currently insufficient to determine the role of this variant in disease. Therefore, it has been classified as a Variant of Uncertain Significance. Algorithms developed to predict the effect of missense changes on protein structure and function are either unavailable or do not agree on the potential impact of this missense change (SIFT: "Deleterious"; PolyPhen-2: "Probably Damaging"; Align-GVGD: "Class C0"). ClinVar contains an entry for this variant (Variation ID: 1044348). This variant has not been reported in the literature in individuals affected with FASN-related conditions. This variant is not present in population databases (gnomAD no frequency). This sequence change replaces valine, which is neutral and non-polar, with methionine, which is neutral and non-polar, at codon 2160 of the FASN protein (p.Val2160Met).

NM_004104.5(FASN):c.6478G>A (p.Val2160Met)

Gene: FASN (fatty acid synthase; minus strand). Cytogenetic location: 17q25.3.
Variant type: single nucleotide variant.
Coding change: c.6478G>A on transcript NM_004104.5 (MANE Select); coding-DNA position 6478, G replaced by A.
Protein change: p.Val2160Met; replaces valine 2160 with methionine.
Molecular consequence: missense variant.
Genome position (GRCh38, 1-based): chr17:82,081,281, C>T on the plus strand (G>A on the coding strand, the complement: FASN is on the minus strand). VCF-style: chr17-82081281-C-T. GRCh37 (hg19) VCF-style: chr17-80039157-C-T.
Other names: short protein forms V2160M.
Identifiers: ClinVar variation 1044348 (VCV001044348.8), dbSNP rs2033982566, ClinGen allele CA401600297.